The following is an entry in ClinVar:

ClinVar aggregate classification (germline): Uncertain significance (1 of 4 stars; one submission).

Conditions:
Nemaline myopathy 2 (NEM2). Also called: Nemaline myopathy 2, autosomal recessive. Identifiers: MedGen C1850569, MONDO:0009725, OMIM 256030.

gnomAD v4.1: 1 of 1,614,040 alleles (0.000062%); highest among the groups gnomAD compares: South Asian, 0.0011%; no homozygotes.

Submission:

Labcorp Genetics (formerly Invitae), Labcorp
Classification: Uncertain significance for Nemaline myopathy 2. Last evaluated: 2021-09-01. Review status: criteria provided, single submitter. Criteria: Invitae Variant Classification Sherloc (09022015). Collection method: clinical testing. Allele origin: germline.
Comment: This sequence change replaces aspartic acid with glycine at codon 1313 of the NEB protein (p.Asp1313Gly). The aspartic acid residue is moderately conserved and there is a moderate physicochemical difference between aspartic acid and glycine. This variant is not present in population databases (ExAC no frequency). This variant has not been reported in the literature in individuals affected with NEB-related conditions. Algorithms developed to predict the effect of missense changes on protein structure and function are either unavailable or do not agree on the potential impact of this missense change (SIFT: "Deleterious"; PolyPhen-2: "Not Available"; Align-GVGD: "Class C0"). In summary, the available evidence is currently insufficient to determine the role of this variant in disease. Therefore, it has been classified as a Variant of Uncertain Significance.

NM_001164508.2(NEB):c.3938A>G (p.Asp1313Gly)

Gene: NEB (nebulin; minus strand). Cytogenetic location: 2q23.3.
Variant type: single nucleotide variant.
Coding change: c.3938A>G on transcript NM_001164508.2 (MANE Select); coding-DNA position 3938, A replaced by G.
Protein change: p.Asp1313Gly; replaces aspartic acid 1313 with glycine.
Molecular consequence: missense variant.
Genome position (GRCh38, 1-based): chr2:151,674,526, T>C on the plus strand (A>G on the coding strand, the complement: NEB is on the minus strand). VCF-style: chr2-151674526-T-C. GRCh37 (hg19) VCF-style: chr2-152531040-T-C.
Other names: c.3938A>G, p.Asp1313Gly (NM_001164507.2, NM_001271208.2, NM_004543.5); short protein forms D1313G.
Identifiers: ClinVar variation 1345501 (VCV001345501.5), dbSNP rs2154198103, ClinGen allele CA348817719.